The following is an entry in ClinVar:

ClinVar aggregate classification (germline): Uncertain significance (1 of 4 stars; one submission).

Conditions:
Charcot-Marie-Tooth disease type 2. Also called: Charcot-Marie-Tooth type 2. Identifiers: Orphanet 64746, MedGen C0270914, MONDO:0018993.

Submission:

Labcorp Genetics (formerly Invitae), Labcorp
Classification: Uncertain significance for Charcot-Marie-Tooth disease type 2. Last evaluated: 2024-03-21. Review status: criteria provided, single submitter. Criteria: Invitae Variant Classification Sherloc (09022015). Collection method: clinical testing. Allele origin: germline.
Comment: This sequence change replaces glycine, which is neutral and non-polar, with aspartic acid, which is acidic and polar, at codon 617 of the MFN2 protein (p.Gly617Asp). This variant is not present in population databases (gnomAD no frequency). This variant has not been reported in the literature in individuals affected with MFN2-related conditions. Advanced modeling of protein sequence and biophysical properties (such as structural, functional, and spatial information, amino acid conservation, physicochemical variation, residue mobility, and thermodynamic stability) performed at Invitae indicates that this missense variant is expected to disrupt MFN2 protein function with a positive predictive value of 95%. In summary, the available evidence is currently insufficient to determine the role of this variant in disease. Therefore, it has been classified as a Variant of Uncertain Significance.

NM_014874.4(MFN2):c.1850G>A (p.Gly617Asp)

Gene: MFN2 (mitofusin 2; plus strand). Cytogenetic location: 1p36.22.
Variant type: single nucleotide variant.
Coding change: c.1850G>A on transcript NM_014874.4 (MANE Select); coding-DNA position 1850, G replaced by A.
Protein change: p.Gly617Asp; replaces glycine 617 with aspartic acid.
Molecular consequence: missense variant.
Genome position (GRCh38, 1-based): chr1:12,006,671, G>A. VCF-style: chr1-12006671-G-A. GRCh37 (hg19) VCF-style: chr1-12066728-G-A.
Other names: c.1850G>A, p.Gly617Asp (NM_001127660.2); short protein forms G617D.
Identifiers: ClinVar variation 3647259 (VCV003647259.2).